The following is an entry in ClinVar:

NM_020778.5(ALPK3):c.262G>T (p.Val88Leu)

Gene: ALPK3 (alpha kinase 3; plus strand). Cytogenetic location: 15q25.3.
Variant type: single nucleotide variant.
Coding change: c.262G>T on transcript NM_020778.5 (MANE Select); coding-DNA position 262, G replaced by T.
Protein change: p.Val88Leu; replaces valine 88 with leucine.
Molecular consequence: missense variant.
Genome position (GRCh38, 1-based): chr15:84,827,563, G>T. VCF-style: chr15-84827563-G-T. GRCh37 (hg19) VCF-style: chr15-85370794-G-T.
Other names: short protein forms V88L.
Identifiers: ClinVar variation 2845551 (VCV002845551.3), dbSNP rs2505697264, ClinGen allele CA393370980.

ClinVar aggregate classification (germline): Uncertain significance (1 of 4 stars; one submission).

Submission:

Labcorp Genetics (formerly Invitae), Labcorp
Classification: Uncertain significance. Last evaluated: 2023-03-14. Review status: criteria provided, single submitter. Criteria: Invitae Variant Classification Sherloc (09022015). Collection method: clinical testing. Allele origin: germline.
Comment: An algorithm developed to predict the effect of missense changes on protein structure and function (PolyPhen-2) suggests that this variant is likely to be disruptive. In summary, the available evidence is currently insufficient to determine the role of this variant in disease. Therefore, it has been classified as a Variant of Uncertain Significance. This sequence change replaces valine, which is neutral and non-polar, with leucine, which is neutral and non-polar, at codon 290 of the ALPK3 protein (p.Val290Leu). This variant is not present in population databases (gnomAD no frequency). This variant has not been reported in the literature in individuals affected with ALPK3-related conditions.